The following is an entry in ClinVar:

ClinVar aggregate classification (germline): Likely pathogenic (1 of 4 stars; one submission).

Conditions:
DNM1-related disorders.

gnomAD v4.1: 1 of 1,608,422 alleles (0.000062%); no homozygotes.

Submission:

Rady Children's Institute for Genomic Medicine, Rady Children's Hospital San Diego
Classification: Likely pathogenic for DNM1-related disorders. Last evaluated: 2023-10-30. Review status: criteria provided, single submitter. Criteria: ACMG Guidelines, 2015. Collection method: clinical testing. Allele origin: germline. Affected: yes.
Comment: The DNM1 gene is constrained against missense variation (Z-score= 5.18), and missense variants are a common mechanism of the autosomal dominant disease (HGMD, ClinVar database; PMID: 25262651, 27066543, 28667181). The c.643G>T (p.Asp215Tyr) variant affects a highly conserved amino acid located in the GTPase domain of the DNM1 protein and is predicted by multiple in silico tools to have a deleterious effect on protein function. This variant has not been previously reported or functionally characterized in the literature to our knowledge. The c.643G>T (p.Asp215Tyr) variant is absent from the gnomAD population database and thus is presumed to be rare. Analysis of the parental samples was negative for the variant, indicating this variant likely occurred as a de novo event. Based on the available evidence, c.643G>T (p.Asp215Tyr) is classified as Likely Pathogenic.

Literature cited by the submitters: PubMed 25262651; 27066543; 28667181.

NM_004408.4(DNM1):c.643G>T (p.Asp215Tyr)

Gene: DNM1 (dynamin 1; plus strand). Cytogenetic location: 9q34.11.
Variant type: single nucleotide variant.
Coding change: c.643G>T on transcript NM_004408.4 (MANE Select); coding-DNA position 643, G replaced by T.
Protein change: p.Asp215Tyr; replaces aspartic acid 215 with tyrosine.
Molecular consequence: missense variant.
Genome position (GRCh38, 1-based): chr9:128,220,041, G>T. VCF-style: chr9-128220041-G-T. GRCh37 (hg19) VCF-style: chr9-130982320-G-T.
Other names: c.643G>T, p.Asp215Tyr (NM_001005336.3, NM_001288737.2, NM_001288738.2 and 2 more transcripts); short protein forms D215Y.
Identifiers: ClinVar variation 3773862 (VCV003773862.1).